The following is an entry in ClinVar:

NM_153343.4(ENPP6):c.886_887del (p.Met296fs)

Gene: ENPP6 (ectonucleotide pyrophosphatase/phosphodiesterase 6; minus strand). Cytogenetic location: 4q35.1.
Variant type: Deletion.
Coding change: c.886_887del on transcript NM_153343.4 (MANE Select); coding-DNA positions 886 to 887, 2 bases deleted (AT; older notation c.886_887delAT).
Protein change: p.Met296fs; shifts the reading frame from methionine 296.
Molecular consequence: frameshift variant.
Genome position (GRCh38, 1-based): chr4:184,112,778-184,112,779, AT deleted on the plus strand (AT on the coding strand, the reverse complement: ENPP6 is on the minus strand). VCF-style (leftmost placement, unchanged base first): chr4-184112777-CAT-C. GRCh37 (hg19) VCF-style: chr4-185033930-CAT-C.
Other names: short protein forms M296fs.
Identifiers: ClinVar variation 3338176 (VCV003338176.2).

ClinVar aggregate classification (germline): Uncertain significance (0 of 4 stars; one submission).

Conditions:
Autism (AUTS). Also called: Autistic disorder of childhood onset; Autistic disorder. Identifiers: MedGen C0004352, MeSH D001321, MONDO:0005260, OMIM 209850, HP:0000717.

Submission:

Centre for Addiction & Mental Health
Classification: Uncertain significance for Autism. Review status: no assertion criteria provided. Collection method: research. Allele origin: biparental. Affected: yes. Observed: 1 homozygote. Segregation with disease observed.
Comment: Gene not previously associated with disease; independent supportng evidence needed